The following is an entry in ClinVar:

ClinVar aggregate classification (germline): Likely pathogenic (1 of 4 stars; one submission).

Conditions:
Tay-Sachs disease (TSD). Also called: HEXA DEFICIENCY; Hexosaminidase A Deficiency; GM2 gangliosidosis, type 1; Hexosaminidase alpha-subunit deficiency (variant B); Sphingolipidosis, Tay-Sachs; HEXA Disorders. Identifiers: Orphanet 845, MedGen C0039373, MONDO:0010100, OMIM 272800.

Submission:

Women's Health and Genetics/Laboratory Corporation of America, LabCorp
Classification: Likely pathogenic for Tay-Sachs disease. Last evaluated: 2023-03-31. Review status: criteria provided, single submitter. Criteria: LabCorp Variant Classification Summary - May 2015. Collection method: clinical testing. Allele origin: germline.
Comment: Variant summary: HEXA c.1039_1056del18 (p.Asp347_Glu352del) results in an in-frame deletion that is predicted to remove six amino acids from the catalytic domain (IPR015883) of the encoded protein. The variant was absent in 251410 control chromosomes (gnomAD). To our knowledge, no experimental evidence directly examining the impact of the variant on protein function has been reported. No clinical diagnostic laboratories have submitted clinical-significance assessments for this variant to ClinVar after 2014. Based on the evidence outlined above, the variant was classified as likely pathogenic.

Literature cited by the submitters: PubMed 7951261.

NM_000520.6(HEXA):c.1039_1056del (p.Asp347_Glu352del)

Gene: HEXA (hexosaminidase subunit alpha; minus strand). Cytogenetic location: 15q23.
Variant type: Deletion.
Coding change: c.1039_1056del on transcript NM_000520.6 (MANE Select); coding-DNA positions 1039 to 1056, 18 bases deleted (GACTTCAAGCAGCTGGAG).
Protein change: p.Asp347_Glu352del.
Molecular consequence: inframe deletion. On other transcripts: non-coding transcript variant (1).
Genome position (GRCh38, 1-based): chr15:72,348,065-72,348,082, CTCCAGCTGCTTGAAGTC deleted on the plus strand (GACTTCAAGCAGCTGGAG on the coding strand, the reverse complement: HEXA is on the minus strand); deleting any 18 consecutive bases within chr15:72,348,065-72,348,085 gives the same sequence; the c. name uses the placement nearest the transcript's 3' end. VCF-style (leftmost placement, unchanged base first): chr15-72348064-ACTCCAGCTGCTTGAAGTC-A. GRCh37 (hg19) VCF-style: chr15-72640405-ACTCCAGCTGCTTGAAGTC-A.
Other names: c.1072_1089del, p.Asp358_Glu363del (NM_001318825.2).
Identifiers: ClinVar variation 2501085 (VCV002501085.1), dbSNP rs2542520312, ClinGen allele CA2580613869.